The following is an entry in ClinVar:

ClinVar aggregate classification (germline): Likely benign. Review status: criteria provided, single submitter (1 of 4 stars). 2 submissions from 2 submitters: Likely benign (1). 1 of the submissions does not count toward it. Last evaluated 2025-05-01.

Conditions:
FOXP2-related disorder. Also called: FOXP2-related condition.

Submissions (2):

CeGaT Center for Human Genetics Tuebingen
Classification: Likely benign. Last evaluated: 2025-05-01. Review status: criteria provided, single submitter. Criteria: CeGaT Center For Human Genetics Tuebingen Variant Classification Criteria Version 2. Collection method: clinical testing. Allele origin: germline. Affected: yes. Observed: 1 variant allele.
Comment: FOXP2: PM2:Supporting, BP4, BP7

PreventionGenetics, part of Exact Sciences
Classification: Likely benign for FOXP2-related condition. Last evaluated: 2019-08-05. Review status: no assertion criteria provided. Collection method: clinical testing. Allele origin: germline. Not counted in ClinVar's aggregate classification.
Comment: This variant is classified as likely benign based on ACMG/AMP sequence variant interpretation guidelines (Richards et al. 2015 PMID: 25741868, with internal and published modifications).

NM_014491.4(FOXP2):c.504G>A (p.Gln168=)

Gene: FOXP2 (forkhead box P2; plus strand). Cytogenetic location: 7q31.1.
Variant type: single nucleotide variant.
Coding change: c.504G>A on transcript NM_014491.4 (MANE Select); coding-DNA position 504, G replaced by A.
Protein change: p.Gln168=; no amino-acid change (glutamine 168 retained).
Molecular consequence: synonymous variant. On other transcripts: non-coding transcript variant (2).
Genome position (GRCh38, 1-based): chr7:114,629,912, G>A. VCF-style: chr7-114629912-G-A. GRCh37 (hg19) VCF-style: chr7-114269967-G-A.
Other names: c.504G>A, p.Gln168= (NM_001172766.3, NM_148899.3); c.579G>A, p.Gln193= (NM_001172767.2, NM_148898.4); c.-846G>A (NM_001172777.1); c.555G>A, p.Gln185= (NM_148900.4).
Identifiers: ClinVar variation 3035096 (VCV003035096.12), dbSNP rs1240175008, ClinGen allele CA457215875.